The following is an entry in ClinVar:

NM_001035.3(RYR2):c.4295T>A (p.Ile1432Asn)

Gene: RYR2 (ryanodine receptor 2; plus strand). Cytogenetic location: 1q43.
Variant type: single nucleotide variant.
Coding change: c.4295T>A on transcript NM_001035.3 (MANE Select); coding-DNA position 4295, T replaced by A.
Protein change: p.Ile1432Asn; replaces isoleucine 1432 with asparagine.
Molecular consequence: missense variant.
Genome position (GRCh38, 1-based): chr1:237,593,495, T>A. VCF-style: chr1-237593495-T-A. GRCh37 (hg19) VCF-style: chr1-237756795-T-A.
Other names: short protein forms I1432N.
Identifiers: ClinVar variation 1739464 (VCV001739464.2), dbSNP rs2546638262, ClinGen allele CA345399558.
Genomic context (GRCh38, chr1:237,593,495, plus strand): 5'-TAGTTTTACTTTGCCAATATTTGGTTCTGCTATCTTCACAGTACTATTACTCAGTGAGAA[T>A]CTTTCCTGGACAAGAACCTGCTAATGTCTGGGTGGGCTGGATTACATCAGATTTCCATCA-3'
Protein context (NP_001026.2, residues 1422-1442): QTSTYYYSVR[Ile1432Asn]FPGQEPANVW

ClinVar aggregate classification (germline): Uncertain significance (1 of 4 stars; one submission).

Conditions:
Cardiovascular phenotype. Identifiers: MedGen CN230736.

Submission:

Ambry Genetics
Classification: Uncertain significance for Cardiovascular phenotype. Last evaluated: 2018-04-12. Review status: criteria provided, single submitter. Criteria: Ambry Variant Classification Scheme 2023. Collection method: clinical testing. Allele origin: germline.
Comment: The p.I1432N variant (also known as c.4295T>A), located in coding exon 33 of the RYR2 gene, results from a T to A substitution at nucleotide position 4295. The isoleucine at codon 1432 is replaced by asparagine, an amino acid with dissimilar properties. This amino acid position is well conserved in available vertebrate species. In addition, the in silico prediction for this alteration is inconclusive. Since supporting evidence is limited at this time, the clinical significance of this alteration remains unclear.